The following is an entry in ClinVar:

NM_054012.4(ASS1):c.235T>C (p.Ser79Pro)

Gene: ASS1 (argininosuccinate synthase 1; plus strand). Cytogenetic location: 9q34.11.
Variant type: single nucleotide variant.
Coding change: c.235T>C on transcript NM_054012.4 (MANE Select); coding-DNA position 235, T replaced by C.
Protein change: p.Ser79Pro; replaces serine 79 with proline.
Molecular consequence: missense variant.
Genome position (GRCh38, 1-based): chr9:130,458,461, T>C. VCF-style: chr9-130458461-T-C. GRCh37 (hg19) VCF-style: chr9-133333848-T-C.
Other names: c.235T>C, p.Ser79Pro (NM_000050.4); short protein forms S79P.
Identifiers: ClinVar variation 4709707 (VCV004709707.1).

ClinVar aggregate classification (germline): Uncertain significance (1 of 4 stars; one submission).

Conditions:
Citrullinemia. Identifiers: Orphanet 187, MedGen C0175683, MONDO:0015991.

Submission:

Labcorp Genetics (formerly Invitae), Labcorp
Classification: Uncertain significance for Citrullinemia. Last evaluated: 2025-03-29. Review status: criteria provided, single submitter. Criteria: Invitae Variant Classification Sherloc (09022015). Collection method: clinical testing. Allele origin: germline.
Comment: This sequence change replaces serine, which is neutral and polar, with proline, which is neutral and non-polar, at codon 79 of the ASS1 protein (p.Ser79Pro). This variant is not present in population databases (gnomAD no frequency). This missense change has been observed in individual(s) with clinical features of citrullinemia (PMID: 19006241; internal data). Invitae Evidence Modeling of protein sequence and biophysical properties (such as structural, functional, and spatial information, amino acid conservation, physicochemical variation, residue mobility, and thermodynamic stability) has been performed for this missense variant. However, the output from this modeling did not meet the statistical confidence thresholds required to predict the impact of this variant on ASS1 protein function. This variant disrupts the p.Ser79 amino acid residue in ASS1. Other variant(s) that disrupt this residue have been observed in individuals with ASS1-related conditions (PMID: 24927999), which suggests that this may be a clinically significant amino acid residue. In summary, the available evidence is currently insufficient to determine the role of this variant in disease. Therefore, it has been classified as a Variant of Uncertain Significance.

Literature cited by the submitters: PubMed 19006241; PubMed 24927999.